The following is an entry in ClinVar:

NM_000110.4(DPYD):c.661G>T (p.Glu221Ter)

Gene: DPYD (dihydropyrimidine dehydrogenase; minus strand). Cytogenetic location: 1p21.3.
Variant type: single nucleotide variant.
Coding change: c.661G>T on transcript NM_000110.4 (MANE Select); coding-DNA position 661, G replaced by T.
Protein change: p.Glu221Ter; replaces glutamic acid 221 with a stop codon.
Molecular consequence: nonsense.
Genome position (GRCh38, 1-based): chr1:97,699,370, C>A on the plus strand (G>T on the coding strand, the complement: DPYD is on the minus strand). VCF-style: chr1-97699370-C-A. GRCh37 (hg19) VCF-style: chr1-98164926-C-A.
Other names: short protein forms E221*.
Identifiers: ClinVar variation 370661 (VCV000370661.10), dbSNP rs146170505, ClinGen allele CA963599.
Genomic context (GRCh38, chr1:97,699,370, plus strand): 5'-CATTTCTGACACTATAAACATGAAATAAATGTAGGCATTACCTTAAACCACCAACATATT[C>A]TTGTTTTTCAAATATAGTGATGTCAGAGTACCCCAATCGAGCCAAAAAGGAAGCACAACT-3'

ClinVar aggregate classification (germline): Pathogenic/Likely pathogenic. Review status: criteria provided, multiple submitters, no conflicts (2 of 4 stars). 6 submissions from 6 submitters: Pathogenic (2); Likely pathogenic (3). 1 of the submissions does not count toward it. Last evaluated 2024-02-07.

Conditions:
DPYD-related disorders.
Dihydropyrimidine dehydrogenase deficiency (DPYDD). Also called: Hereditary Thymine-Uraciluria; DPD DEFICIENCY; DPYD DEFICIENCY. Identifiers: Orphanet 1675, MedGen C1959620, MONDO:0010130, OMIM 274270.

Allele frequency attached by ClinVar (database versions not stated): gnomAD 0.00001; TOPMed 0.00002; ExAC 0.00003; gnomAD exomes 0.00003; ESP Exome Variant Server 0.00008.
gnomAD v4.1: 50 of 1,613,456 alleles (0.0031%); highest among the groups gnomAD compares: Non-Finnish European, 0.0042%; no homozygotes.

Submissions (6):

Baylor Genetics
Classification: Pathogenic for Dihydropyrimidine dehydrogenase deficiency. Last evaluated: 2024-02-07. Review status: criteria provided, single submitter. Criteria: ACMG Guidelines, 2015. Collection method: clinical testing. Allele origin: unknown.

Genome-Nilou Lab
Classification: Likely pathogenic for Dihydropyrimidine dehydrogenase deficiency. Last evaluated: 2023-04-11. Review status: criteria provided, single submitter. Criteria: ACMG Guidelines, 2015. Collection method: clinical testing. Allele origin: germline. Affected: no.

Women's Health and Genetics/Laboratory Corporation of America, LabCorp
Classification: Likely pathogenic for Dihydropyrimidine dehydrogenase deficiency. Last evaluated: 2023-03-06. Review status: criteria provided, single submitter. Criteria: LabCorp Variant Classification Summary - May 2015. Collection method: clinical testing. Allele origin: germline.
Comment: Variant summary: DPYD c.661G>T (p.Glu221X) results in a premature termination codon, predicted to cause a truncation of the encoded protein or absence of the protein due to nonsense mediated decay, which are commonly known mechanisms for disease. Truncations downstream of this position have been classified as pathogenic by our laboratory. The variant allele was found at a frequency of 3.2e-05 in 250946 control chromosomes (gnomAD). To our knowledge, c.661G>T has not been reported in the literature in individuals affected with Dihydropyrimidine Dehydrogenase Deficiency and no experimental evidence demonstrating an impact on protein function has been reported. Two clinical diagnostic laboratories have submitted clinical-significance assessments for this variant to ClinVar after 2014 and classified the variant as pathogenic/likely pathogenic. Based on the evidence outlined above, the variant was classified as likely pathogenic.

Blueprint Genetics
Classification: Likely pathogenic for DPYD-related disorders. Last evaluated: 2020-01-08. Review status: criteria provided, single submitter. Criteria: ACMG Guidelines, 2015. Collection method: clinical testing. Allele origin: germline. Affected: yes. Observed: 2 variant alleles.

Fulgent Genetics
Classification: Pathogenic for Dihydropyrimidine dehydrogenase deficiency. Last evaluated: 2018-10-31. Review status: criteria provided, single submitter. Criteria: ACMG Guidelines, 2015. Collection method: clinical testing. Allele origin: unknown.

Counsyl
Classification: Likely pathogenic for Dihydropyrimidine dehydrogenase deficiency. Last evaluated: 2016-04-05. Review status: no assertion criteria provided. Collection method: clinical testing. Allele origin: unknown. Not counted in ClinVar's aggregate classification.

Literature cited by the submitters: PubMed 25087612 (cited by Women's Health and Genetics/Laboratory Corporation of America, LabCorp); PubMed 32595208 (cited by Women's Health and Genetics/Laboratory Corporation of America, LabCorp).